The following is an entry in ClinVar:

NM_000455.5(STK11):c.792del (p.Phe264fs)

Gene: STK11 (serine/threonine kinase 11; plus strand). Cytogenetic location: 19p13.3.
Variant type: Deletion.
Coding change: c.792del on transcript NM_000455.5 (MANE Select); coding-DNA position 792, one base deleted (T; older notation c.792delT).
Protein change: p.Phe264fs; shifts the reading frame from phenylalanine 264.
Molecular consequence: frameshift variant.
Genome position (GRCh38, 1-based): chr19:1,221,270, T deleted; the last of 3 consecutive T bases (chr19:1,221,268-1,221,270); deleting any one gives the same sequence. VCF-style (leftmost placement, unchanged base first): chr19-1221267-GT-G. GRCh37 (hg19) VCF-style: chr19-1221266-GT-G.
Other names: short protein forms F264fs.
Identifiers: ClinVar variation 827339 (VCV000827339.4), dbSNP rs1599927622, ClinGen allele CA915951588.

ClinVar aggregate classification (germline): Pathogenic (1 of 4 stars; one submission).

Conditions:
Hereditary cancer-predisposing syndrome. Also called: Neoplastic Syndromes, Hereditary; Tumor predisposition; Hereditary neoplastic syndrome; Hereditary Cancer Syndrome. Identifiers: Orphanet 140162, MedGen C0027672, MeSH D009386, MONDO:0015356.

Submission:

Ambry Genetics
Classification: Pathogenic for Hereditary cancer-predisposing syndrome. Last evaluated: 2019-10-23. Review status: criteria provided, single submitter. Criteria: Ambry Variant Classification Scheme 2023. Collection method: clinical testing. Allele origin: germline.
Comment: The c.792delT variant, located in coding exon 6 of the STK11 gene, results from a deletion of one nucleotide at nucleotide position 792, causing a translational frameshift with a predicted alternate stop codon (p.F264Lfs*23). This alteration is expected to result in loss of function by premature protein truncation or nonsense-mediated mRNA decay. As such, this alteration is interpreted as a disease-causing mutation.